The following is an entry in ClinVar:

NM_020911.2(PLXNA4):c.2925A>G (p.Thr975=)

Gene: PLXNA4 (plexin A4; minus strand). Cytogenetic location: 7q32.3.
Variant type: single nucleotide variant.
Coding change: c.2925A>G on transcript NM_020911.2 (MANE Select); coding-DNA position 2925, A replaced by G.
Protein change: p.Thr975=; no amino-acid change (threonine 975 retained).
Molecular consequence: synonymous variant.
Genome position (GRCh38, 1-based): chr7:132,187,539, T>C on the plus strand (A>G on the coding strand, the complement: PLXNA4 is on the minus strand). VCF-style: chr7-132187539-T-C. GRCh37 (hg19) VCF-style: chr7-131872298-T-C.
Other names: c.2925A>G, p.Thr975= (NM_001393897.1).
Identifiers: ClinVar variation 4985599 (VCV004985599.1).

ClinVar aggregate classification (germline): Likely benign (1 of 4 stars; one submission).

Conditions:
PLXNA4-related disorder. Also called: PLXNA4-related condition.

gnomAD v4.1: 1 of 1,614,044 alleles (0.000062%); highest among the groups gnomAD compares: African/African-American, 0.0013%; no homozygotes.

Submission:

PreventionGenetics, part of Exact Sciences
Classification: Likely benign for PLXNA4-related condition. Last evaluated: 2024-12-12. Review status: criteria provided, single submitter. Criteria: ACMG Guidelines, 2015. Collection method: clinical testing. Allele origin: germline.
Comment: This variant is classified as likely benign based on ACMG/AMP sequence variant interpretation guidelines (Richards et al. 2015 PMID: 25741868, with internal and published modifications).